The following is an entry in ClinVar:

NM_001243133.2(NLRP3):c.1814A>T (p.Glu605Val)

Gene: NLRP3 (NLR family pyrin domain containing 3; plus strand). Cytogenetic location: 1q44.
Variant type: single nucleotide variant.
Coding change: c.1814A>T on transcript NM_001243133.2 (MANE Select); coding-DNA position 1814, A replaced by T.
Protein change: p.Glu605Val; replaces glutamic acid 605 with valine.
Molecular consequence: missense variant.
Genome position (GRCh38, 1-based): chr1:247,425,263, A>T. VCF-style: chr1-247425263-A-T. GRCh37 (hg19) VCF-style: chr1-247588565-A-T.
Other names: c.1814A>T, p.Glu605Val (NM_001079821.3, NM_001127461.3, NM_001127462.3 and 1 more transcripts); c.1820A>T, p.Glu607Val (NM_004895.5); short protein forms E607V, E605V.
Identifiers: ClinVar variation 570991 (VCV000570991.13), dbSNP rs745564372, ClinGen allele CA1495073.

ClinVar aggregate classification (germline): Uncertain significance. Review status: criteria provided, multiple submitters, no conflicts (2 of 4 stars). 4 submissions from 3 submitters: Uncertain significance (4). Last evaluated 2025-11-11.

Conditions:
Familial amyloid nephropathy with urticaria AND deafness (MWS). Also called: Urticaria, deafness and amyloidosis; CRYOPYRIN-ASSOCIATED PERIODIC SYNDROME 2; UDA SYNDROME; URTICARIA-DEAFNESS-AMYLOIDOSIS SYNDROME; MUCKLE-WELLS SYNDROME. Identifiers: Orphanet 575, MedGen C0268390, MONDO:0008633, OMIM 191900.
Familial cold autoinflammatory syndrome 1 (FCAS1). Also called: Familial cold inflammatory syndrome 1; CRYOPYRIN-ASSOCIATED PERIODIC SYNDROME 1. Identifiers: Orphanet 47045, MedGen C4551895, MONDO:0007349, OMIM 120100.
Chronic infantile neurological, cutaneous and articular syndrome (CINCA). Also called: CINCA syndrome; Prieur Griscelli syndrome; CRYOPYRIN-ASSOCIATED PERIODIC SYNDROME 3; CHRONIC NEUROLOGIC CUTANEOUS AND ARTICULAR SYNDROME. Identifiers: Orphanet 1451, MedGen C0409818, MONDO:0011776, OMIM 607115.
Keratitis fugax hereditaria. Also called: KERATOENDOTHELIITIS FUGAX HEREDITARIA. Identifiers: Orphanet 647815, MedGen C1835697, MONDO:0007849, OMIM 148200.
Hearing loss, autosomal dominant 34, with or without inflammation. Also called: DEAFNESS, AUTOSOMAL DOMINANT 34, WITH OR WITHOUT INFLAMMATION. Identifiers: MedGen C4521680, MONDO:0033261, OMIM 617772.
Cryopyrin associated periodic syndrome (CAPS). Identifiers: Orphanet 208650, MedGen C2316212, MONDO:0016168.

Allele frequency attached by ClinVar (database versions not stated): gnomAD exomes 0.00001 and 0.00003; ExAC 0.00002; TOPMed 0.00002.
gnomAD v4.1: 15 of 1,614,202 alleles (0.00093%); highest among the groups gnomAD compares: Admixed American, 0.015%; no homozygotes.

Submissions (4):

Women's Health and Genetics/Laboratory Corporation of America, LabCorp
Classification: Uncertain significance. Last evaluated: 2025-11-11. Review status: criteria provided, single submitter. Criteria: LabCorp Variant Classification Summary - May 2015. Collection method: clinical testing. Allele origin: germline.
Comment: Variant summary: NLRP3 c.1820A>T (p.Glu607Val) results in a non-conservative amino acid change in the encoded protein sequence. Algorithms developed to predict the effect of missense changes on protein structure and function all suggest that this variant is likely to be disruptive. The variant allele was found at a frequency of 2.8e-05 in 251408 control chromosomes. The available data on variant occurrences in the general population are insufficient to allow any conclusion about variant significance. c.1820A>T has been observed in at least one individual affected with Cryopyrin Associated Periodic Syndrome (Ocampo_2018). These report does not provide unequivocal conclusions about association of the variant with Cryopyrin Associated Periodic Syndrome. To our knowledge, no experimental evidence demonstrating an impact on protein function has been reported. The following publication have been ascertained in the context of this evaluation (PMID: 29239927). ClinVar contains an entry for this variant (Variation ID: 570991). Based on the evidence outlined above, the variant was classified as uncertain significance.

Labcorp Genetics (formerly Invitae), Labcorp
Classification: Uncertain significance for Cryopyrin associated periodic syndrome. Last evaluated: 2025-08-29. Review status: criteria provided, single submitter. Criteria: Invitae Variant Classification Sherloc (09022015). Collection method: clinical testing. Allele origin: germline.
Comment: This sequence change replaces glutamic acid, which is acidic and polar, with valine, which is neutral and non-polar, at codon 607 of the NLRP3 protein (p.Glu607Val). This variant is present in population databases (rs745564372, gnomAD 0.01%). This missense change has been observed in individual(s) with cryopyrin associated periodic syndrome (CAPS) (PMID: 29239927). ClinVar contains an entry for this variant (Variation ID: 570991). Invitae Evidence Modeling of protein sequence and biophysical properties (such as structural, functional, and spatial information, amino acid conservation, physicochemical variation, residue mobility, and thermodynamic stability) indicates that this missense variant is expected to disrupt NLRP3 protein function with a positive predictive value of 95%. In summary, the available evidence is currently insufficient to determine the role of this variant in disease. Therefore, it has been classified as a Variant of Uncertain Significance.

Center for Genomics, Ann and Robert H. Lurie Children's Hospital of Chicago
Classification: Uncertain significance for Chronic infantile neurological, cutaneous and articular syndrome; Familial cold autoinflammatory syndrome 1; Familial amyloid nephropathy with urticaria AND deafness. Last evaluated: 2018-03-13. Review status: criteria provided, single submitter. Criteria: ACMG Guidelines, 2015. Collection method: clinical testing. Allele origin: germline.
Comment: NLRP3 NM_004895.4 exon 3 p.Glu607Val (c.1820A>T): This variant has not been reported in the literature but is present in 5/33582 Latino alleles in the Genome Aggregation Database. Evolutionary conservation and computational predictive tools for this variant are unclear. In summary, data on this variant is insufficient for disease classification. Therefore, the clinical significance of this variant is uncertain.

Center for Genomics, Ann and Robert H. Lurie Children's Hospital of Chicago
Classification: Uncertain significance for Chronic infantile neurological, cutaneous and articular syndrome; Familial cold autoinflammatory syndrome 1; Keratitis fugax hereditaria; Hearing loss, autosomal dominant 34, with or without inflammation; Familial amyloid nephropathy with urticaria AND deafness. Review status: criteria provided, single submitter. Criteria: ACMG Guidelines, 2015. Collection method: clinical testing. Allele origin: germline.
Comment: the same text as in the submission from Center for Genomics, Ann and Robert H. Lurie Children's Hospital of Chicago above.

Literature cited by the submitters: PubMed 29239927 (cited by Women's Health and Genetics/Laboratory Corporation of America, LabCorp and Labcorp Genetics (formerly Invitae), Labcorp).